The following is an entry in ClinVar:

ClinVar aggregate classification (germline): Conflicting classifications of pathogenicity. Review status: criteria provided, conflicting classifications (1 of 4 stars). 6 submissions from 6 submitters: Uncertain significance (3); Likely benign (1). 2 of the submissions do not count toward it. Last evaluated 2026-01-08.

Conditions:
Episodic pain syndrome, familial, 2 (FEPS2). Identifiers: Orphanet 306577, MedGen C3809893, MONDO:0014246, OMIM 615551.
Brugada syndrome. Also called: Sudden Unexplained Death Syndrome; Sudden Unexplained Nocturnal Death Syndrome (SUNDS); Sudden unexplained nocturnal death syndrome; Sudden unexpected nocturnal death syndrome. Identifiers: Orphanet 130, MedGen C1142166, MONDO:0015263.
Cardiovascular phenotype. Identifiers: MedGen CN230736.

Allele frequency attached by ClinVar (database versions not stated): gnomAD 0.00007 and 0.00006; TOPMed 0.00008; 1000 Genomes Project 30x 0.00016; 1000 Genomes Project 0.00020.
gnomAD v4.1: 136 of 1,614,132 alleles (0.0084%); highest among the groups gnomAD compares: African/African-American, 0.015%; no homozygotes.

Submissions (6):

Labcorp Genetics (formerly Invitae), Labcorp
Classification: Uncertain significance for Brugada syndrome. Last evaluated: 2026-01-08. Review status: criteria provided, single submitter. Criteria: Invitae Variant Classification Sherloc (09022015). Collection method: clinical testing. Allele origin: germline.
Comment: This sequence change replaces threonine, which is neutral and polar, with methionine, which is neutral and non-polar, at codon 1505 of the SCN10A protein (p.Thr1505Met). This variant is present in population databases (rs184521520, gnomAD 0.04%). This missense change has been observed in individual(s) with neuromuscular disease (PMID: 28078312). ClinVar contains an entry for this variant (Variation ID: 575624). Invitae Evidence Modeling of protein sequence and biophysical properties (such as structural, functional, and spatial information, amino acid conservation, physicochemical variation, residue mobility, and thermodynamic stability) indicates that this missense variant is not expected to disrupt SCN10A protein function with a negative predictive value of 80%. In summary, the available evidence is currently insufficient to determine the role of this variant in disease. Therefore, it has been classified as a Variant of Uncertain Significance.

Fulgent Genetics
Classification: Uncertain significance for Episodic pain syndrome, familial, 2. Last evaluated: 2021-09-04. Review status: criteria provided, single submitter. Criteria: ACMG Guidelines, 2015. Collection method: clinical testing. Allele origin: unknown.

GeneDx
Classification: Uncertain significance. Last evaluated: 2021-06-03. Review status: criteria provided, single submitter. Criteria: GeneDx Variant Classification Process June 2021. Collection method: clinical testing. Allele origin: germline. Affected: yes.
Comment: Identified in homozygous state in a Sudanese family with progressive neuromuscular disease, severe cognitive impairment, muscle weakness, upper motor neuron lesion, anhydrosis, facial dysmorphism, and recurrent seizures but with no cardiac findings (Kambouris et al., 2017); Reported as a variant of uncertain significance in ClinVar (ClinVar Variation ID#575624; Landrum et al., 2016); In silico analysis supports that this missense variant has a deleterious effect on protein structure/function; This variant is associated with the following publications: (PMID: 27535533, 28078312)

Ambry Genetics
Classification: Likely benign for Cardiovascular phenotype. Last evaluated: 2020-09-14. Review status: criteria provided, single submitter. Criteria: Ambry Variant Classification Scheme 2023. Collection method: clinical testing. Allele origin: germline.

Clinical Genetics DNA and cytogenetics Diagnostics Lab, Erasmus MC, Erasmus Medical Center
Classification: Uncertain significance. Review status: no assertion criteria provided. Collection method: clinical testing. Allele origin: germline. Affected: yes. Study: VKGL Data-share Consensus. Not counted in ClinVar's aggregate classification.

Clinical Genetics, Academic Medical Center
Classification: Uncertain significance. Review status: no assertion criteria provided. Collection method: clinical testing. Allele origin: germline. Affected: yes. Study: VKGL Data-share Consensus. Not counted in ClinVar's aggregate classification.

Literature cited by the submitters: PubMed 28078312 (cited by Labcorp Genetics (formerly Invitae), Labcorp).

NM_006514.4(SCN10A):c.4514C>T (p.Thr1505Met)

Gene: SCN10A (sodium voltage-gated channel alpha subunit 10; minus strand). Cytogenetic location: 3p22.2.
Variant type: single nucleotide variant.
Coding change: c.4514C>T on transcript NM_006514.4 (MANE Select); coding-DNA position 4514, C replaced by T.
Protein change: p.Thr1505Met; replaces threonine 1505 with methionine.
Molecular consequence: missense variant.
Genome position (GRCh38, 1-based): chr3:38,701,982, G>A on the plus strand (C>T on the coding strand, the complement: SCN10A is on the minus strand). VCF-style: chr3-38701982-G-A. GRCh37 (hg19) VCF-style: chr3-38743473-G-A.
Other names: c.4511C>T, p.Thr1504Met (NM_001293306.2); c.4220C>T, p.Thr1407Met (NM_001293307.2); short protein forms T1505M, T1407M, T1504M.
Identifiers: ClinVar variation 575624 (VCV000575624.13), dbSNP rs184521520, ClinGen allele CA2319882.